The following is an entry in ClinVar:

NM_000268.4(NF2):c.302_303del (p.Tyr101fs)

Gene: NF2 (NF2, moesin-ezrin-radixin like (MERLIN) tumor suppressor; plus strand). Cytogenetic location: 22q12.2.
Variant type: Deletion.
Coding change: c.302_303del on transcript NM_000268.4 (MANE Select); coding-DNA positions 302 to 303, 2 bases deleted (AT; older notation c.302_303delAT).
Protein change: p.Tyr101fs; shifts the reading frame from tyrosine 101.
Molecular consequence: frameshift variant. On other transcripts: non-coding transcript variant (1), intron variant (3).
Genome position (GRCh38, 1-based): chr22:29,639,151-29,639,152, AT deleted; deleting any 2 consecutive bases within chr22:29,639,150-29,639,152 gives the same sequence; the c. name uses the placement nearest the transcript's 3' end. VCF-style (leftmost placement, unchanged base first): chr22-29639149-TTA-T. GRCh37 (hg19) VCF-style: chr22-30035138-TTA-T.
Other names: c.302_303del, p.Tyr101fs (NM_016418.5, NM_181825.3, NM_181832.3 and 1 more transcripts); c.176_177del, p.Tyr59fs (NM_181828.3); c.240+2275_240+2276del (NM_181829.3); c.115-3051_115-3050del (NM_181830.3, NM_181831.3); short protein forms Y59fs, Y101fs.
Identifiers: ClinVar variation 1452573 (VCV001452573.6), dbSNP rs2146871313, ClinGen allele CA2573157868.
Genomic context (GRCh38, chr22:29,639,149, plus strand): 5'-GGTACTGGATCATGATGTTTCAAAGGAAGAACCAGTCACCTTTCACTTCTTGGCCAAATT[TTA>T]TCCTGAGAATGCTGAAGAGGAGCTGGTTCAGGAGATCACACAACATTTATTCTTCTTACA-3'

ClinVar aggregate classification (germline): Pathogenic (1 of 4 stars; one submission).

Conditions:
Neurofibromatosis, type 2 (SWNV). Also called: BILATERAL ACOUSTIC NEUROFIBROMATOSIS; SCHWANNOMATOSIS, VESTIBULAR; NF2-Related Schwannomatosis. Identifiers: Orphanet 637, MedGen C0027832, MONDO:0007039, OMIM 101000. Disease mechanism: loss of function.

Submission:

Labcorp Genetics (formerly Invitae), Labcorp
Classification: Pathogenic for Neurofibromatosis, type 2. Last evaluated: 2021-11-29. Review status: criteria provided, single submitter. Criteria: Invitae Variant Classification Sherloc (09022015). Collection method: clinical testing. Allele origin: germline.
Comment: This variant is not present in population databases (gnomAD no frequency). This variant has not been reported in the literature in individuals affected with NF2-related conditions. For these reasons, this variant has been classified as Pathogenic. This sequence change creates a premature translational stop signal (p.Tyr101Serfs*2) in the NF2 gene. It is expected to result in an absent or disrupted protein product. Loss-of-function variants in NF2 are known to be pathogenic (PMID: 9643284, 16983642).

Literature cited by the submitters: PubMed 9643284; PubMed 16983642.